The following is an entry in ClinVar:

ClinVar aggregate classification (germline): Uncertain significance (1 of 4 stars; one submission).

Conditions:
Brugada syndrome 5 (BRGDA5). Identifiers: Orphanet 130, Orphanet 871, MedGen C2748541, MONDO:0013015, OMIM 612838.

Submission:

Labcorp Genetics (formerly Invitae), Labcorp
Classification: Uncertain significance for Brugada syndrome 5. Last evaluated: 2024-04-13. Review status: criteria provided, single submitter. Criteria: Invitae Variant Classification Sherloc (09022015). Collection method: clinical testing. Allele origin: germline.
Comment: The SCN1B gene has multiple clinically relevant transcripts. This variant occurs in alternate transcript NM_001037.5, and corresponds to NM_199037.3:c.*5030A>G in the primary transcript. This sequence change replaces methionine, which is neutral and non-polar, with valine, which is neutral and non-polar, at codon 154 of the SCN1B protein (p.Met154Val). This variant is not present in population databases (gnomAD no frequency). This missense change has been observed in individual(s) with genetic epilepsy with febrile seizures plus (PMID: 38174099). Experimental studies and prediction algorithms are not available or were not evaluated, and the functional significance of this variant is currently unknown. In summary, the available evidence is currently insufficient to determine the role of this variant in disease. Therefore, it has been classified as a Variant of Uncertain Significance.

Literature cited by the submitters: PubMed 38174099.

NM_001037.5(SCN1B):c.460A>G (p.Met154Val)

Gene: SCN1B (sodium voltage-gated channel beta subunit 1; plus strand). Cytogenetic location: 19q13.11.
Variant type: single nucleotide variant.
Coding change: c.460A>G on transcript NM_001037.5 (MANE Select); coding-DNA position 460, A replaced by G.
Protein change: p.Met154Val; replaces methionine 154 with valine.
Molecular consequence: missense variant.
Genome position (GRCh38, 1-based): chr19:35,039,128, A>G. VCF-style: chr19-35039128-A-G. GRCh37 (hg19) VCF-style: chr19-35530032-A-G.
Other names: c.361A>G, p.Met121Val (NM_001321605.2); short protein forms M121V, M154V.
Identifiers: ClinVar variation 3605657 (VCV003605657.2).
Genomic context (GRCh38, chr19:35,039,128, plus strand): 5'-GCTGTCATGCAGCCTGGGCTACCCCCTTAACCCTGCCTGGCCCCTGCAGCCAACAGAGAC[A>G]TGGCATCCATCGTGTCTGAGATCATGATGTATGTGCTCATTGTGGTGTTGACCATATGGC-3'
Protein context (NP_001028.1, residues 144-164): IEVVDKANRD[Met154Val]ASIVSEIMMY